The following is an entry in ClinVar:

NM_001004334.4(GPR179):c.4420C>T (p.Gln1474Ter)

Gene: GPR179 (G protein-coupled receptor 179; minus strand). Cytogenetic location: 17q12.
Variant type: single nucleotide variant.
Coding change: c.4420C>T on transcript NM_001004334.4 (MANE Select); coding-DNA position 4420, C replaced by T.
Protein change: p.Gln1474Ter; replaces glutamine 1474 with a stop codon.
Molecular consequence: nonsense.
Genome position (GRCh38, 1-based): chr17:38,329,149, G>A on the plus strand (C>T on the coding strand, the complement: GPR179 is on the minus strand). VCF-style: chr17-38329149-G-A. GRCh37 (hg19) VCF-style: chr17-36485032-G-A.
Other names: short protein forms Q1474*.
Identifiers: ClinVar variation 1475262 (VCV001475262.6), dbSNP rs2144258940, ClinGen allele CA398876924.

ClinVar aggregate classification (germline): Uncertain significance (1 of 4 stars; one submission).

Submission:

Labcorp Genetics (formerly Invitae), Labcorp
Classification: Uncertain significance. Last evaluated: 2022-07-19. Review status: criteria provided, single submitter. Criteria: Invitae Variant Classification Sherloc (09022015). Collection method: clinical testing. Allele origin: germline.
Comment: ClinVar contains an entry for this variant (Variation ID: 1475262). This variant has not been reported in the literature in individuals affected with GPR179-related conditions. This variant is not present in population databases (gnomAD no frequency). This sequence change creates a premature translational stop signal (p.Gln1474*) in the GPR179 gene. While this is not anticipated to result in nonsense mediated decay, it is expected to disrupt the last 894 amino acid(s) of the GPR179 protein. In summary, the available evidence is currently insufficient to determine the role of this variant in disease. Therefore, it has been classified as a Variant of Uncertain Significance. Experimental studies and prediction algorithms are not available or were not evaluated, and the functional significance of this variant is currently unknown.